The following is an entry in ClinVar:

NM_000051.4(ATM):c.8635A>G (p.Asn2879Asp)

Genes: ATM (ATM serine/threonine kinase; plus strand), C11orf65 (chromosome 11 open reading frame 65; minus strand). Cytogenetic location: 11q22.3.
Variant type: single nucleotide variant.
Coding change: c.8635A>G on transcript NM_000051.4 (MANE Select); coding-DNA position 8635, A replaced by G.
Protein change: p.Asn2879Asp; replaces asparagine 2879 with aspartic acid.
Molecular consequence: missense variant. On other transcripts: intron variant (2).
Genome position (GRCh38, 1-based): chr11:108,347,329, A>G. VCF-style: chr11-108347329-A-G. GRCh37 (hg19) VCF-style: chr11-108218056-A-G.
Other names: c.8635A>G, p.Asn2879Asp (NM_001351834.2); c.641-38258T>C (NM_001330368.2); c.695-12037T>C (NM_001351110.2); short protein forms N2879D.
Identifiers: ClinVar variation 1171387 (VCV001171387.6), dbSNP rs2137082792, ClinGen allele CA382520897.

ClinVar aggregate classification (germline): Uncertain significance. Review status: criteria provided, multiple submitters, no conflicts (2 of 4 stars). 3 submissions from 3 submitters: Uncertain significance (3). Last evaluated 2026-06-05.

Conditions:
ATM-related cancer predisposition. Also called: ATM-related cancer susceptibility. Identifiers: MedGen CN377759, MONDO:0700270.
Hereditary cancer-predisposing syndrome. Also called: Neoplastic Syndromes, Hereditary; Tumor predisposition; Hereditary Cancer Syndrome; Hereditary neoplastic syndrome. Identifiers: Orphanet 140162, MedGen C0027672, MeSH D009386, MONDO:0015356.

Submissions (3):

Women's Health and Genetics/Laboratory Corporation of America, LabCorp
Classification: Uncertain significance. Last evaluated: 2026-06-05. Review status: criteria provided, single submitter. Criteria: LabCorp Variant Classification Summary - May 2015. Collection method: clinical testing. Allele origin: germline.
Comment: Variant summary: ATM c.8635A>G (p.Asn2879Asp) results in a conservative amino acid change in the encoded protein sequence. Algorithms developed to predict the effect of missense changes on protein structure and function are either unavailable or do not agree on the potential impact of this missense change. The variant was absent in 250414 control chromosomes. The available data on variant occurrences in the general population are insufficient to allow any conclusion about variant significance. To our knowledge, no occurrence of c.8635A>G in individuals affected with ATM-related conditions and no experimental evidence demonstrating its impact on protein function have been reported. ClinVar contains an entry for this variant (Variation ID: 1171387). Based on the evidence outlined above, the variant was classified as uncertain significance.

Hema, HEMA – Genetic and Molecular Diagnostic Laboratory
Classification: Uncertain significance for ATM-related cancer predisposition. Last evaluated: 2025-12-02. Review status: criteria provided, single submitter. Criteria: HEMA Variant Classification Assertion Criteria. Collection method: clinical testing. Allele origin: germline.
Comment: The c.8635A>G variant is a transition from adenine to guanine, resulting in the substitution of asparagine 2879 with aspartic acid in the ATM protein. PM2_Supporting: Absent in the gnomAD v4.1.0 database.

Color Diagnostics, LLC DBA Color Health
Classification: Uncertain significance for Hereditary cancer-predisposing syndrome. Last evaluated: 2021-01-19. Review status: criteria provided, single submitter. Criteria: ACMG Guidelines, 2015. Collection method: clinical testing. Allele origin: germline.
Comment: This missense variant replaces asparagine with aspartic acid at codon 2879 of the ATM protein. Computational prediction suggests that this variant may not impact protein structure and function (internally defined REVEL score threshold <= 0.5, PMID: 27666373). To our knowledge, functional studies have not been reported for this variant. This variant has not been reported in individuals affected with hereditary cancer in the literature. This variant has not been identified in the general population by the Genome Aggregation Database (gnomAD). The available evidence is insufficient to determine the role of this variant in disease conclusively. Therefore, this variant is classified as a Variant of Uncertain Significance.